The following is an entry in ClinVar:

NM_000173.7(GP1BA):c.191T>C (p.Leu64Pro)

Gene: GP1BA (glycoprotein Ib platelet subunit alpha; plus strand). Cytogenetic location: 17p13.2.
Variant type: single nucleotide variant.
Coding change: c.191T>C on transcript NM_000173.7 (MANE Select); coding-DNA position 191, T replaced by C.
Protein change: p.Leu64Pro; replaces leucine 64 with proline.
Molecular consequence: missense variant.
Genome position (GRCh38, 1-based): chr17:4,932,795, T>C. VCF-style: chr17-4932795-T-C. GRCh37 (hg19) VCF-style: chr17-4836090-T-C.
Other names: short protein forms L64P.
Identifiers: ClinVar variation 1684363 (VCV001684363.1), dbSNP rs2151107711, ClinGen allele CA397315007.

ClinVar aggregate classification (germline): Uncertain significance (0 of 4 stars; one submission).

Conditions:
Bernard-Soulier syndrome, type A2, autosomal dominant (BSSA2). Also called: Bernard-Soulier syndrome, type A2 (dominant). Identifiers: Orphanet 274, MedGen C3277076, MONDO:0007930, OMIM 153670.

Submission:

ISTH-SSC Genomics in Thrombosis and Hemostasis, KU Leuven, Center for Molecular and Vascular Biology
Classification: Uncertain significance for Bernard-Soulier syndrome, type A2, autosomal dominant. Review status: no assertion criteria provided. Collection method: research. Allele origin: unknown. Affected: yes.
Comment: Submitted to GoldVariant by Dr Karyn Mégy from NIHR Bioresource - Cambridge University, UK